The following is an entry in ClinVar:

ClinVar aggregate classification (germline): Likely benign (1 of 4 stars; one submission).

gnomAD v4.1: 2 of 1,613,930 alleles (0.00012%); highest among the groups gnomAD compares: Admixed American, 0.0017%; no homozygotes.

Submission:

CeGaT Center for Human Genetics Tuebingen
Classification: Likely benign. Last evaluated: 2024-04-01. Review status: criteria provided, single submitter. Criteria: CeGaT Center For Human Genetics Tuebingen Variant Classification Criteria Version 2. Collection method: clinical testing. Allele origin: germline. Affected: yes. Observed: 1 variant allele.
Comment: COL3A1: PM2:Supporting, BP4, BP7

NM_000090.4(COL3A1):c.2802G>T (p.Ser934=)

Gene: COL3A1 (collagen type III alpha 1 chain; plus strand). Cytogenetic location: 2q32.2.
Variant type: single nucleotide variant.
Coding change: c.2802G>T on transcript NM_000090.4 (MANE Select); coding-DNA position 2802, G replaced by T.
Protein change: p.Ser934=; no amino-acid change (serine 934 retained).
Molecular consequence: synonymous variant.
Genome position (GRCh38, 1-based): chr2:189,004,122, G>T. VCF-style: chr2-189004122-G-T. GRCh37 (hg19) VCF-style: chr2-189868848-G-T.
Identifiers: ClinVar variation 3234596 (VCV003234596.20), dbSNP rs113870310, ClinGen allele CA430312097.